The following is an entry in ClinVar:

NM_017777.4(MKS1):c.68A>G (p.Asn23Ser)

Genes: MKS1 (MKS transition zone complex subunit 1; minus strand), LOC130061271 (ATAC-STARR-seq lymphoblastoid active region 12461; plus strand). Cytogenetic location: 17q22.
Variant type: single nucleotide variant.
Coding change: c.68A>G on transcript NM_017777.4 (MANE Select); coding-DNA position 68, A replaced by G.
Protein change: p.Asn23Ser; replaces asparagine 23 with serine.
Molecular consequence: missense variant. On other transcripts: 5 prime UTR variant (1).
Genome position (GRCh38, 1-based): chr17:58,219,163, T>C on the plus strand (A>G on the coding strand, the complement: MKS1 is on the minus strand). VCF-style: chr17-58219163-T-C. GRCh37 (hg19) VCF-style: chr17-56296524-T-C.
Other names: c.-444A>G (NM_001321268.2); c.68A>G, p.Asn23Ser (NM_001321269.2, NM_001330397.2, NM_001411113.1); short protein forms N23S.
Identifiers: ClinVar variation 2142535 (VCV002142535.1), dbSNP rs2509469213, ClinGen allele CA400328124.

ClinVar aggregate classification (germline): Uncertain significance (1 of 4 stars; one submission).

Conditions:
Joubert syndrome. Also called: CEREBELLOPARENCHYMAL DISORDER IV; JOUBERT-BOLTSHAUSER SYNDROME; Familial aplasia of the vermis. Identifiers: Orphanet 475, MedGen C5979921, MONDO:0018772.
Meckel-Gruber syndrome. Also called: DYSENCEPHALIA SPLANCHNOCYSTICA; GRUBER SYNDROME; Dysencephalia splachnocystica. Identifiers: Orphanet 564, MedGen C0265215, MONDO:0018921.

Allele frequency attached by ClinVar (database versions not stated): gnomAD exomes below 0.00001.

Submission:

Labcorp Genetics (formerly Invitae), Labcorp
Classification: Uncertain significance for Joubert syndrome; Meckel-Gruber syndrome. Last evaluated: 2022-02-11. Review status: criteria provided, single submitter. Criteria: Invitae Variant Classification Sherloc (09022015). Collection method: clinical testing. Allele origin: germline.
Comment: This sequence change replaces asparagine, which is neutral and polar, with serine, which is neutral and polar, at codon 23 of the MKS1 protein (p.Asn23Ser). This variant is not present in population databases (gnomAD no frequency). This variant has not been reported in the literature in individuals affected with MKS1-related conditions. Algorithms developed to predict the effect of missense changes on protein structure and function are either unavailable or do not agree on the potential impact of this missense change (SIFT: "Tolerated"; PolyPhen-2: "Probably Damaging"; Align-GVGD: "Class C0"). Algorithms developed to predict the effect of sequence changes on RNA splicing suggest that this variant may create or strengthen a splice site. In summary, the available evidence is currently insufficient to determine the role of this variant in disease. Therefore, it has been classified as a Variant of Uncertain Significance.